The following is an entry in ClinVar:

NM_001349338.3(FOXP1):c.56G>C (p.Gly19Ala)

Gene: FOXP1 (forkhead box P1; minus strand). Cytogenetic location: 3p13.
Variant type: single nucleotide variant.
Coding change: c.56G>C on transcript NM_001349338.3 (MANE Select); coding-DNA position 56, G replaced by C.
Protein change: p.Gly19Ala; replaces glycine 19 with alanine.
Molecular consequence: missense variant. On other transcripts: non-coding transcript variant (2).
Genome position (GRCh38, 1-based): chr3:71,198,326, C>G on the plus strand (G>C on the coding strand, the complement: FOXP1 is on the minus strand). VCF-style: chr3-71198326-C-G. GRCh37 (hg19) VCF-style: chr3-71247477-C-G.
Other names: c.56G>C, p.Gly19Ala (NM_001012505.2, NM_001244808.3, NM_001244810.2 and 6 more transcripts); short protein forms G19A.
Identifiers: ClinVar variation 3375536 (VCV003375536.3).

ClinVar aggregate classification (germline): Uncertain significance. Review status: criteria provided, multiple submitters, no conflicts (2 of 4 stars). 2 submissions from 2 submitters: Uncertain significance (2). Last evaluated 2024-07-30.

gnomAD v4.1: 1 of 1,613,264 alleles (0.000062%); highest among the groups gnomAD compares: African/African-American, 0.0013%; no homozygotes.

Submissions (2):

Labcorp Genetics (formerly Invitae), Labcorp
Classification: Uncertain significance. Last evaluated: 2024-07-30. Review status: criteria provided, single submitter. Criteria: Invitae Variant Classification Sherloc (09022015). Collection method: clinical testing. Allele origin: germline.
Comment: This sequence change replaces glycine, which is neutral and non-polar, with alanine, which is neutral and non-polar, at codon 19 of the FOXP1 protein (p.Gly19Ala). This variant is not present in population databases (gnomAD no frequency). This variant has not been reported in the literature in individuals affected with FOXP1-related conditions. Advanced modeling of protein sequence and biophysical properties (such as structural, functional, and spatial information, amino acid conservation, physicochemical variation, residue mobility, and thermodynamic stability) has been performed at Invitae for this missense variant, however the output from this modeling did not meet the statistical confidence thresholds required to predict the impact of this variant on FOXP1 protein function. In summary, the available evidence is currently insufficient to determine the role of this variant in disease. Therefore, it has been classified as a Variant of Uncertain Significance.

GeneDx
Classification: Uncertain significance. Last evaluated: 2024-05-06. Review status: criteria provided, single submitter. Criteria: GeneDx Variant Classification Process June 2021. Collection method: clinical testing. Allele origin: germline. Affected: yes.
Comment: Not observed at significant frequency in large population cohorts (gnomAD); In silico analysis supports that this missense variant has a deleterious effect on protein structure/function; Has not been previously published as pathogenic or benign to our knowledge